The following is an entry in ClinVar:

ClinVar aggregate classification (germline): Uncertain significance (1 of 4 stars; one submission).

Conditions:
Aspartylglucosaminuria (AGU). Also called: AGA DEFICIENCY; GLYCOASPARAGINASE; GLYCOSYLASPARAGINASE DEFICIENCY; Aspartylglucos-aminuria; Aspartylglucos-amidase (AGA) deficiency. Identifiers: Orphanet 93, MedGen C0268225, MONDO:0008830, OMIM 208400, HP:0012068.

Allele frequency attached by ClinVar (database versions not stated): gnomAD 0.00001.

Submission:

Labcorp Genetics (formerly Invitae), Labcorp
Classification: Uncertain significance for Aspartylglucosaminuria. Last evaluated: 2022-06-13. Review status: criteria provided, single submitter. Criteria: Invitae Variant Classification Sherloc (09022015). Collection method: clinical testing. Allele origin: germline.
Comment: This sequence change replaces proline, which is neutral and non-polar, with leucine, which is neutral and non-polar, at codon 35 of the AGA protein (p.Pro35Leu). This variant is not present in population databases (gnomAD no frequency). This variant has not been reported in the literature in individuals affected with AGA-related conditions. Algorithms developed to predict the effect of missense changes on protein structure and function are either unavailable or do not agree on the potential impact of this missense change (SIFT: "Tolerated"; PolyPhen-2: "Possibly Damaging"; Align-GVGD: "Class C0"). In summary, the available evidence is currently insufficient to determine the role of this variant in disease. Therefore, it has been classified as a Variant of Uncertain Significance.

NM_000027.4(AGA):c.104C>T (p.Pro35Leu)

Gene: AGA (aspartylglucosaminidase; minus strand). Cytogenetic location: 4q34.3.
Variant type: single nucleotide variant.
Coding change: c.104C>T on transcript NM_000027.4 (MANE Select); coding-DNA position 104, C replaced by T.
Protein change: p.Pro35Leu; replaces proline 35 with leucine.
Molecular consequence: missense variant. On other transcripts: non-coding transcript variant (1).
Genome position (GRCh38, 1-based): chr4:177,442,272, G>A on the plus strand (C>T on the coding strand, the complement: AGA is on the minus strand). VCF-style: chr4-177442272-G-A. GRCh37 (hg19) VCF-style: chr4-178363426-G-A.
Other names: c.104C>T, p.Pro35Leu (NM_001171988.2); short protein forms P35L.
Identifiers: ClinVar variation 1954308 (VCV001954308.2), dbSNP rs760099526, ClinGen allele CA358785027.